The following is an entry in ClinVar:

NM_002860.4(ALDH18A1):c.377G>A (p.Arg126His)

Gene: ALDH18A1 (aldehyde dehydrogenase 18 family member A1; minus strand). Cytogenetic location: 10q24.1.
Variant type: single nucleotide variant.
Coding change: c.377G>A on transcript NM_002860.4 (MANE Select); coding-DNA position 377, G replaced by A.
Protein change: p.Arg126His; replaces arginine 126 with histidine.
Molecular consequence: missense variant. On other transcripts: intron variant (1).
Genome position (GRCh38, 1-based): chr10:95,637,363, C>T on the plus strand (G>A on the coding strand, the complement: ALDH18A1 is on the minus strand). VCF-style: chr10-95637363-C-T. GRCh37 (hg19) VCF-style: chr10-97397120-C-T.
Other names: c.377G>A, p.Arg126His (NM_001017423.2, NM_001323413.2, NM_001323414.2 and 2 more transcripts); c.44G>A, p.Arg15His (NM_001323412.2, NM_001323416.2, NM_001323418.2); c.-78-3714G>A (NM_001323419.2); c.377G>A (NM_002860.3); short protein forms R126H, R15H.
Identifiers: ClinVar variation 2431929 (VCV002431929.3), dbSNP rs2526899878, ClinGen allele CA377706756.

ClinVar aggregate classification (germline): Likely pathogenic. Review status: criteria provided, multiple submitters, no conflicts (2 of 4 stars). 3 submissions from 3 submitters: Likely pathogenic (3). Last evaluated 2023-12-19.

Conditions:
Autosomal recessive complex spastic paraplegia type 9B. Also called: Spastic paraplegia 9b, autosomal recessive. Identifiers: Orphanet 447760, MedGen C5568980, MONDO:0014702, OMIM 616586.
Cutis laxa, autosomal dominant 3 (ADCL3). Identifiers: Orphanet 90348, MedGen C4225268, MONDO:0014706, OMIM 616603.
Hereditary spastic paraplegia 9A. Also called: SPASTIC PARAPLEGIA 9A, AUTOSOMAL DOMINANT; CATARACTS WITH MOTOR NEURONOPATHY, SHORT STATURE, AND SKELETAL ABNORMALITIES; SPASTIC PARAPARESIS WITH AMYOTROPHY, CATARACTS, AND GASTROESOPHAGEAL REFLUX. Identifiers: Orphanet 100990, Orphanet 447753, MedGen C5568978, MONDO:0011006, OMIM 601162.
ALDH18A1-related de Barsy syndrome. Also called: DE BARSY SYNDROME A; Cutis laxa, autosomal recessive IIIA. Identifiers: Orphanet 2962, Orphanet 35664, MedGen C5234852, MONDO:0009053, OMIM 219150.

Submissions (3):

University of Washington Department of Laboratory Medicine, University of Washington
Classification: Likely pathogenic for Cutis laxa, autosomal dominant 3; ALDH18A1-related de Barsy syndrome; Hereditary spastic paraplegia 9A; Autosomal recessive complex spastic paraplegia type 9B. Last evaluated: 2023-12-19. Review status: criteria provided, single submitter. Criteria: ACMG Guidelines, 2015. Collection method: clinical testing. Allele origin: unknown. Affected: yes.
Comment: The p.Arg126His variant in the ALDH18A1 gene has been previously reported de novo in an individual and has also been identified in at least 1 additional unrelated individual with autosomal dominant ALDH18A1-related cutis laxa (Bhola 2017, personal correspondence with Rare Genomes Project in Brazil). This variant has been submitted to ClinVar (Variation ID: 2431929) and was absent from large population databases, including the Genome Aggregation Database v4.0.0. The ALDH18A1 gene has fewer missense variants in the general population than expected. A low rate of missense variation may suggest that this gene is intolerant to missense variation. Using ACMG guidelines, this variant was classified as likely pathogenic for autosomal dominant ALDH18A1-related cutis laxa (ACMG evidence codes used: PS4_moderate, PM6, PM2_supporting, PP2).

3billion
Classification: Likely pathogenic for Cutis laxa, autosomal dominant 3. Last evaluated: 2023-02-23. Review status: criteria provided, single submitter. Criteria: ACMG Guidelines, 2015. Collection method: clinical testing. Allele origin: unknown. Affected: yes.
Comment: The variant is not observed in the gnomAD v2.1.1 dataset. Missense changes are a common disease-causing mechanism. Same nucleotide change resulting in same amino acid change has been previously reported to be associated with ALDH18A1 related disorder and reported as de novo in a similarly affected individual (PMID: 28228640). However, the evidence of pathogenicity is insufficient at this time. Therefore, this variant is classified as Likely pathogenic according to the recommendation of ACMG/AMP guideline.

Laboratorio de Genetica e Diagnostico Molecular, Hospital Israelita Albert Einstein
Classification: Likely pathogenic for Cutis laxa, autosomal dominant 3. Last evaluated: 2023-01-20. Review status: criteria provided, single submitter. Criteria: ACMG Guidelines, 2015. Collection method: clinical testing. Allele origin: germline. Affected: yes. Observed: 1 variant allele.
Comment: ACMG classification criteria: PS2 moderated, PS4 supporting, PM2 moderated, PP4

Literature cited by the submitters: PubMed 28228640 (cited by 3billion).